The following is an entry in ClinVar:

NM_020812.4(DOCK6):c.1716G>A (p.Val572=)

Gene: DOCK6 (dedicator of cytokinesis 6; minus strand). Cytogenetic location: 19p13.2.
Variant type: single nucleotide variant.
Coding change: c.1716G>A on transcript NM_020812.4 (MANE Select); coding-DNA position 1716, G replaced by A.
Protein change: p.Val572=; no amino-acid change (valine 572 retained).
Molecular consequence: synonymous variant.
Genome position (GRCh38, 1-based): chr19:11,238,232, C>T on the plus strand (G>A on the coding strand, the complement: DOCK6 is on the minus strand). VCF-style: chr19-11238232-C-T. GRCh37 (hg19) VCF-style: chr19-11348908-C-T.
Other names: c.1716G>A, p.Val572= (NM_001367830.1).
Identifiers: ClinVar variation 3344092 (VCV003344092.1).

ClinVar aggregate classification (germline): Likely benign (0 of 4 stars; one submission).

Conditions:
DOCK6-related disorder. Also called: DOCK6-related condition.

gnomAD v4.1: 10 of 1,613,478 alleles (0.00062%); highest among the groups gnomAD compares: South Asian, 0.0044%; no homozygotes.

Submission:

PreventionGenetics, part of Exact Sciences
Classification: Likely benign for DOCK6-related condition. Last evaluated: 2024-09-19. Review status: no assertion criteria provided. Collection method: clinical testing. Allele origin: germline.
Comment: This variant is classified as likely benign based on ACMG/AMP sequence variant interpretation guidelines (Richards et al. 2015 PMID: 25741868, with internal and published modifications).